The following is an entry in ClinVar:

ClinVar aggregate classification (germline): Likely pathogenic (1 of 4 stars; one submission).

Conditions:
Primary ciliary dyskinesia. Also called: Ciliary dyskinesia. Identifiers: Orphanet 244, MedGen C0008780, MONDO:0016575, HP:0012265.

Submission:

Labcorp Genetics (formerly Invitae), Labcorp
Classification: Likely pathogenic for Primary ciliary dyskinesia. Last evaluated: 2023-04-28. Review status: criteria provided, single submitter. Criteria: Invitae Variant Classification Sherloc (09022015). Collection method: clinical testing. Allele origin: germline.
Comment: This variant has not been reported in the literature in individuals affected with DNAI1-related conditions. In summary, the currently available evidence indicates that the variant is pathogenic, but additional data are needed to prove that conclusively. Therefore, this variant has been classified as Likely Pathogenic. Algorithms developed to predict the effect of sequence changes on RNA splicing suggest that this variant may disrupt the consensus splice site. This variant is not present in population databases (gnomAD no frequency). This sequence change affects an acceptor splice site in intron 3 of the DNAI1 gene. It is expected to disrupt RNA splicing. Variants that disrupt the donor or acceptor splice site typically lead to a loss of protein function (PMID: 16199547), and loss-of-function variants in DNAI1 are known to be pathogenic (PMID: 16858015, 29363216).

Literature cited by the submitters: PubMed 16199547; PubMed 16858015; PubMed 29363216.

NM_012144.4(DNAI1):c.181-2A>T

Gene: DNAI1 (dynein axonemal intermediate chain 1; plus strand). Cytogenetic location: 9p13.3.
Variant type: single nucleotide variant.
Coding change: c.181-2A>T on transcript NM_012144.4 (MANE Select); the canonical splice acceptor site of the intron before coding-DNA position 181, A replaced by T.
Molecular consequence: splice acceptor variant.
Genome position (GRCh38, 1-based): chr9:34,485,435, A>T. VCF-style: chr9-34485435-A-T. GRCh37 (hg19) VCF-style: chr9-34485433-A-T.
Other names: c.181-2A>T (NM_001281428.2).
Identifiers: ClinVar variation 2860223 (VCV002860223.3), dbSNP rs2492026077, ClinGen allele CA373242309.